The following is an entry in ClinVar:

NM_033380.3(COL4A5):c.3785G>A (p.Arg1262Lys)

Gene: COL4A5 (collagen type IV alpha 5 chain; plus strand). Cytogenetic location: Xq22.3.
Variant type: single nucleotide variant.
Coding change: c.3785G>A on transcript NM_033380.3 (MANE Select); coding-DNA position 3785, G replaced by A.
Protein change: p.Arg1262Lys; replaces arginine 1262 with lysine.
Molecular consequence: missense variant.
Genome position (GRCh38, 1-based): chrX:108,668,499, G>A. VCF-style: chrX-108668499-G-A. GRCh37 (hg19) VCF-style: chrX-107911729-G-A.
Other names: p.Arg1262Lys; c.3785G>A, p.Arg1262Lys (NM_000495.5); short protein forms R1262K.
Identifiers: ClinVar variation 2139706 (VCV002139706.4), dbSNP rs1283680942, ClinGen allele CA413849160.

ClinVar aggregate classification (germline): Uncertain significance. Review status: criteria provided, multiple submitters, no conflicts (2 of 4 stars). 2 submissions from 2 submitters: Uncertain significance (2). Last evaluated 2025-04-24.

Allele frequency attached by ClinVar (database versions not stated): gnomAD 0.00001; TOPMed 0.00001.
gnomAD v4.1: 1 of 1,173,652 alleles (0.000085%); highest among the groups gnomAD compares: Non-Finnish European, 0.00011%; no homozygotes.

Submissions (2):

Labcorp Genetics (formerly Invitae), Labcorp
Classification: Uncertain significance. Last evaluated: 2025-04-24. Review status: criteria provided, single submitter. Criteria: Invitae Variant Classification Sherloc (09022015). Collection method: clinical testing. Allele origin: germline.
Comment: This sequence change replaces arginine, which is basic and polar, with lysine, which is basic and polar, at codon 1262 of the COL4A5 protein (p.Arg1262Lys). This variant is present in population databases (no rsID available, gnomAD 0.2%). This variant has not been reported in the literature in individuals affected with COL4A5-related conditions. ClinVar contains an entry for this variant (Variation ID: 2139706). Invitae Evidence Modeling of protein sequence and biophysical properties (such as structural, functional, and spatial information, amino acid conservation, physicochemical variation, residue mobility, and thermodynamic stability) indicates that this missense variant is not expected to disrupt COL4A5 protein function with a negative predictive value of 95%. In summary, the available evidence is currently insufficient to determine the role of this variant in disease. Therefore, it has been classified as a Variant of Uncertain Significance.

Mayo Clinic Laboratories, Mayo Clinic
Classification: Uncertain significance. Last evaluated: 2024-05-01. Review status: criteria provided, single submitter. Criteria: ACMG Guidelines, 2015. Collection method: clinical testing. Allele origin: germline. Observed: 2 variant alleles.
Comment: PM2